The following is an entry in ClinVar:

NM_014780.5(CUL7):c.4365G>T (p.Glu1455Asp)

Gene: CUL7 (cullin 7; minus strand). Cytogenetic location: 6p21.1.
Variant type: single nucleotide variant.
Coding change: c.4365G>T on transcript NM_014780.5 (MANE Select); coding-DNA position 4365, G replaced by T.
Protein change: p.Glu1455Asp; replaces glutamic acid 1455 with aspartic acid.
Molecular consequence: missense variant.
Genome position (GRCh38, 1-based): chr6:43,038,917, C>A on the plus strand (G>T on the coding strand, the complement: CUL7 is on the minus strand). VCF-style: chr6-43038917-C-A. GRCh37 (hg19) VCF-style: chr6-43006655-C-A.
Other names: c.4461G>T, p.Glu1487Asp (NM_001168370.2, NM_001374872.1); c.4365G>T, p.Glu1455Asp (NM_001374873.1); c.4362G>T, p.Glu1454Asp (NM_001374874.1); short protein forms E1454D, E1455D, E1487D.
Identifiers: ClinVar variation 2988646 (VCV002988646.3), dbSNP rs1461167915, ClinGen allele CA364191503.
Genomic context (GRCh38, chr6:43,038,917, plus strand): 5'-ATACAGCAGTAGCCACATCTGCACGGTGGACACATGCAGGGTCTGGTTCCCAAACTGCAG[C>A]TCAGCCCAGCCCAGCCACGTCCACTGCAGTCGCCTCTGTGAGCCTCGCTCAAGGGCAGGG-3'
Protein context (NP_055595.2, residues 1445-1465): RLQWTWLGWA[Glu1455Asp]LQFGNQTLHV

ClinVar aggregate classification (germline): Uncertain significance (1 of 4 stars; one submission).

Allele frequency attached by ClinVar (database versions not stated): gnomAD exomes below 0.00001.
gnomAD v4.1: 2 of 1,614,050 alleles (0.00012%); highest among the groups gnomAD compares: Non-Finnish European, 0.00017%; no homozygotes.

Submission:

Labcorp Genetics (formerly Invitae), Labcorp
Classification: Uncertain significance. Last evaluated: 2025-05-12. Review status: criteria provided, single submitter. Criteria: Invitae Variant Classification Sherloc (09022015). Collection method: clinical testing. Allele origin: germline.
Comment: This sequence change replaces glutamic acid, which is acidic and polar, with aspartic acid, which is acidic and polar, at codon 1455 of the CUL7 protein (p.Glu1455Asp). This variant is present in population databases (no rsID available, gnomAD 0.0009%). This variant has not been reported in the literature in individuals affected with CUL7-related conditions. ClinVar contains an entry for this variant (Variation ID: 2988646). Invitae Evidence Modeling of protein sequence and biophysical properties (such as structural, functional, and spatial information, amino acid conservation, physicochemical variation, residue mobility, and thermodynamic stability) indicates that this missense variant is not expected to disrupt CUL7 protein function with a negative predictive value of 80%. In summary, the available evidence is currently insufficient to determine the role of this variant in disease. Therefore, it has been classified as a Variant of Uncertain Significance.